The following is an entry in ClinVar:

NM_021076.4(NEFH):c.1774G>A (p.Ala592Thr)

Gene: NEFH (neurofilament heavy chain; plus strand). Cytogenetic location: 22q12.2.
Variant type: single nucleotide variant.
Coding change: c.1774G>A on transcript NM_021076.4 (MANE Select); coding-DNA position 1774, G replaced by A.
Protein change: p.Ala592Thr; replaces alanine 592 with threonine.
Molecular consequence: missense variant.
Genome position (GRCh38, 1-based): chr22:29,489,414, G>A. VCF-style: chr22-29489414-G-A. GRCh37 (hg19) VCF-style: chr22-29885403-G-A.
Other names: c.1774G>A (NM_021076.3); short protein forms A592T.
Identifiers: ClinVar variation 1961149 (VCV001961149.6), dbSNP rs768529407, ClinGen allele CA323088033.

ClinVar aggregate classification (germline): Uncertain significance. Review status: criteria provided, single submitter (1 of 4 stars). 2 submissions from 2 submitters: Uncertain significance (1). 1 of the submissions does not count toward it. Last evaluated 2024-08-28.

Conditions:
NEFH-related disorder. Also called: NEFH-related condition.

gnomAD v4.1: 10 of 1,612,984 alleles (0.00062%); highest among the groups gnomAD compares: Non-Finnish European, 0.00085%; no homozygotes.

Submissions (2):

Labcorp Genetics (formerly Invitae), Labcorp
Classification: Uncertain significance. Last evaluated: 2024-08-28. Review status: criteria provided, single submitter. Criteria: Invitae Variant Classification Sherloc (09022015). Collection method: clinical testing. Allele origin: germline.
Comment: This sequence change replaces alanine, which is neutral and non-polar, with threonine, which is neutral and polar, at codon 592 of the NEFH protein (p.Ala592Thr). This variant is not present in population databases (gnomAD no frequency). This variant has not been reported in the literature in individuals affected with NEFH-related conditions. ClinVar contains an entry for this variant (Variation ID: 1961149). Invitae Evidence Modeling of protein sequence and biophysical properties (such as structural, functional, and spatial information, amino acid conservation, physicochemical variation, residue mobility, and thermodynamic stability) indicates that this missense variant is not expected to disrupt NEFH protein function with a negative predictive value of 95%. In summary, the available evidence is currently insufficient to determine the role of this variant in disease. Therefore, it has been classified as a Variant of Uncertain Significance.

PreventionGenetics, part of Exact Sciences
Classification: Uncertain significance for NEFH-related condition. Last evaluated: 2024-05-02. Review status: no assertion criteria provided. Collection method: clinical testing. Allele origin: germline. Not counted in ClinVar's aggregate classification.
Comment: The NEFH c.1774G>A variant is predicted to result in the amino acid substitution p.Ala592Thr. To our knowledge, this variant has not been reported in the literature or in a large population database, indicating this variant is rare. At this time, the clinical significance of this variant is uncertain due to the absence of conclusive functional and genetic evidence.